The following is an entry in ClinVar:

ClinVar aggregate classification (germline): Uncertain significance. Review status: criteria provided, multiple submitters, no conflicts (2 of 4 stars). 5 submissions from 5 submitters: Uncertain significance (5). Last evaluated 2026-01-01.

Allele frequency attached by ClinVar (database versions not stated): ExAC 0.00003; gnomAD exomes 0.00005; TOPMed 0.00005; gnomAD 0.00008 and 0.00009.

Submissions (5):

CeGaT Center for Human Genetics Tuebingen
Classification: Uncertain significance. Last evaluated: 2026-01-01. Review status: criteria provided, single submitter. Criteria: CeGaT Center For Human Genetics Tuebingen Variant Classification Criteria Version 2. Collection method: clinical testing. Allele origin: germline. Affected: yes. Observed: 1 variant allele.

Labcorp Genetics (formerly Invitae), Labcorp
Classification: Uncertain significance. Last evaluated: 2025-08-15. Review status: criteria provided, single submitter. Criteria: Invitae Variant Classification Sherloc (09022015). Collection method: clinical testing. Allele origin: germline.
Comment: This sequence change replaces isoleucine, which is neutral and non-polar, with serine, which is neutral and polar, at codon 362 of the P2RX2 protein (p.Ile362Ser). This variant is present in population databases (rs775913281, gnomAD 0.02%). This variant has not been reported in the literature in individuals affected with P2RX2-related conditions. This missense change has been observed in at least one individual who was not affected with P2RX2-related conditions (internal data). ClinVar contains an entry for this variant (Variation ID: 1407280). Invitae Evidence Modeling of protein sequence and biophysical properties (such as structural, functional, and spatial information, amino acid conservation, physicochemical variation, residue mobility, and thermodynamic stability) indicates that this missense variant is expected to disrupt P2RX2 protein function with a positive predictive value of 80%. In summary, the available evidence is currently insufficient to determine the role of this variant in disease. Therefore, it has been classified as a Variant of Uncertain Significance.

Ambry Genetics
Classification: Uncertain significance. Last evaluated: 2025-06-12. Review status: criteria provided, single submitter. Criteria: Ambry Variant Classification Scheme 2023. Collection method: clinical testing. Allele origin: germline.

Blueprint Genetics
Classification: Uncertain significance. Last evaluated: 2024-06-26. Review status: criteria provided, single submitter. Criteria: ACMG Guidelines, 2015. Collection method: clinical testing. Allele origin: germline.

GeneDx
Classification: Uncertain significance. Last evaluated: 2023-12-26. Review status: criteria provided, single submitter. Criteria: GeneDx Variant Classification Process June 2021. Collection method: clinical testing. Allele origin: germline. Affected: yes.
Comment: In silico analysis supports that this missense variant has a deleterious effect on protein structure/function; Has not been previously published as pathogenic or benign to our knowledge

NM_170682.4(P2RX2):c.1085T>G (p.Ile362Ser)

Gene: P2RX2 (purinergic receptor P2X 2; plus strand). Cytogenetic location: 12q24.33.
Variant type: single nucleotide variant.
Coding change: c.1085T>G on transcript NM_170682.4 (MANE Select); coding-DNA position 1085, T replaced by G.
Protein change: p.Ile362Ser; replaces isoleucine 362 with serine.
Molecular consequence: missense variant. On other transcripts: 3 prime UTR variant (1).
Genome position (GRCh38, 1-based): chr12:132,621,641, T>G. VCF-style: chr12-132621641-T-G. GRCh37 (hg19) VCF-style: chr12-133198227-T-G.
Other names: c.983T>G, p.Ile328Ser (NM_001282164.2); c.*132T>G (NM_001282165.2); c.869T>G, p.Ile290Ser (NM_012226.5); c.1013T>G, p.Ile338Ser (NM_016318.4); c.1163T>G, p.Ile388Ser (NM_170683.4); c.809T>G, p.Ile270Ser (NM_174872.3); c.1085T>G, p.Ile362Ser (NM_174873.3); c.1163T>G (NM_170683.2); and 1 more; short protein forms I270S, I290S, I328S, I388S, I338S, I362S.
Identifiers: ClinVar variation 1407280 (VCV001407280.13), dbSNP rs775913281, ClinGen allele CA6891827.